The following is an entry in ClinVar:

NM_015021.3(ZNF292):c.1023T>C (p.Thr341=)

Gene: ZNF292 (zinc finger protein 292; plus strand). Cytogenetic location: 6q14.3.
Variant type: single nucleotide variant.
Coding change: c.1023T>C on transcript NM_015021.3 (MANE Select); coding-DNA position 1023, T replaced by C.
Protein change: p.Thr341=; no amino-acid change (threonine 341 retained).
Molecular consequence: synonymous variant.
Genome position (GRCh38, 1-based): chr6:87,254,652, T>C. VCF-style: chr6-87254652-T-C. GRCh37 (hg19) VCF-style: chr6-87964370-T-C.
Other names: c.603T>C, p.Thr201= (NM_001351444.2).
Identifiers: ClinVar variation 5040995 (VCV005040995.1).

ClinVar aggregate classification (germline): Likely benign (1 of 4 stars; one submission).

gnomAD v4.1: 109 of 1,592,714 alleles (0.0068%); highest among the groups gnomAD compares: Admixed American, 0.09%; no homozygotes.

Submission:

CeGaT Center for Human Genetics Tuebingen
Classification: Likely benign. Last evaluated: 2026-09-01. Review status: criteria provided, single submitter. Criteria: CeGaT Center For Human Genetics Tuebingen Variant Classification Criteria Version 2. Collection method: clinical testing. Allele origin: germline. Affected: yes. Observed: 1 variant allele.
Comment: ZNF292: BP4, BP7